The following is an entry in ClinVar:

ClinVar aggregate classification (germline): Conflicting classifications of pathogenicity. Review status: criteria provided, conflicting classifications (1 of 4 stars). 2 submissions from 2 submitters: Uncertain significance (1); Likely benign (1). Last evaluated 2026-01-05.

Conditions:
Neuromuscular disease caused by qualitative or quantitative defects of dysferlin. Also called: Qualitative or quantitative defects of dysferlin; Dysferlinopathy. Identifiers: Orphanet 207073, MedGen C2931687, MONDO:0016145.
Autosomal recessive limb-girdle muscular dystrophy. Identifiers: Orphanet 102015, MedGen C2931907, MONDO:0015152.

Allele frequency attached by ClinVar (database versions not stated): gnomAD 0.00005; ESP Exome Variant Server 0.00008.
gnomAD v4.1: 28 of 1,614,168 alleles (0.0017%); highest among the groups gnomAD compares: African/African-American, 0.012%; no homozygotes.

Submissions (2):

Myriad Genetics, Inc.
Classification: Uncertain significance for Autosomal recessive limb-girdle muscular dystrophy. Last evaluated: 2026-01-05. Review status: criteria provided, single submitter. Criteria: Myriad Autosomal Dominant, Autosomal Recessive and X-Linked Classification Criteria (2023). Collection method: clinical testing. Allele origin: unknown.
Comment: NM_003494.3(DYSF):c.752G>A(R251Q) is a missense variant classified as a variant of uncertain significance in the context of dysferlinopathy. R251Q has been observed in a case with relevant disease (PMID: 39678382). Relevant functional assessments of this variant are not available in the literature. R251Q has been observed in referenced population frequency databases. In summary, there is insufficient evidence to classify NM_003494.3(DYSF):c.752G>A(R251Q) as pathogenic or benign. Please note: this variant was assessed in the context of healthy population screening.

Labcorp Genetics (formerly Invitae), Labcorp
Classification: Likely benign for Neuromuscular disease caused by qualitative or quantitative defects of dysferlin. Last evaluated: 2025-06-09. Review status: criteria provided, single submitter. Criteria: Invitae Variant Classification Sherloc (09022015). Collection method: clinical testing. Allele origin: germline.

Literature cited by the submitters: PubMed 39678382 (cited by Myriad Genetics, Inc.).

NM_001130987.2(DYSF):c.848G>A (p.Arg283Gln)

Gene: DYSF (dysferlin; plus strand). Cytogenetic location: 2p13.2.
Variant type: single nucleotide variant.
Coding change: c.848G>A on transcript NM_001130987.2 (MANE Select); coding-DNA position 848, G replaced by A.
Protein change: p.Arg283Gln; replaces arginine 283 with glutamine.
Molecular consequence: missense variant.
Genome position (GRCh38, 1-based): chr2:71,515,711, G>A. VCF-style: chr2-71515711-G-A. GRCh37 (hg19) VCF-style: chr2-71742841-G-A.
Other names: c.755G>A, p.Arg252Gln (NM_001130455.2, NM_001130983.2, NM_001130984.2 and 1 more transcripts); c.752G>A, p.Arg251Gln (NM_001130976.2, NM_001130977.2, NM_001130978.2 and 1 more transcripts); c.845G>A, p.Arg282Gln (NM_001130979.2, NM_001130980.2, NM_001130981.2); c.848G>A, p.Arg283Gln (NM_001130982.2, NM_001130985.2); short protein forms R283Q, R252Q, R282Q, R251Q.
Identifiers: ClinVar variation 2051777 (VCV002051777.5), dbSNP rs372512141, ClinGen allele CA1705478.
Genomic context (GRCh38, chr2:71,515,711, plus strand): 5'-AGCTGCCGGGGGTGAACATCAAGCCTGTGGTCAAGGTTACCGCTGCAGGGCAGACCAAGC[G>A]GACGCGGATCCACAAGGGAAACAGCCCACTCTTCAATGAGGTGGGAGACATGGGGCATGA-3'
Protein context (NP_001124459.1, residues 273-293): VKVTAAGQTK[Arg283Gln]TRIHKGNSPL